The following is an entry in ClinVar:

NM_177438.3(DICER1):c.1826_1828dup (p.Asp609dup)

Gene: DICER1 (dicer 1, ribonuclease III; minus strand). Cytogenetic location: 14q32.13.
Variant type: Duplication.
Coding change: c.1826_1828dup on transcript NM_177438.3 (MANE Select); coding-DNA positions 1826 to 1828, 3 bases duplicated (ACG; older notation c.1826_1828dupACG).
Protein change: p.Asp609dup; duplicates aspartic acid 609.
Molecular consequence: inframe insertion.
Genome position (GRCh38, 1-based): chr14:95,115,746-95,115,748, CGT duplicated on the plus strand (ACG on the coding strand, the reverse complement: DICER1 is on the minus strand); duplicating any 3 consecutive bases within chr14:95,115,746-95,115,749 gives the same sequence; the c. name uses the placement nearest the transcript's 3' end. VCF-style (leftmost placement, unchanged base first): chr14-95115745-A-ACGT. GRCh37 (hg19) VCF-style: chr14-95582082-A-ACGT.
Other names: c.1826_1828dup, p.Asp609dup (NM_001195573.1, NM_001271282.3, NM_001291628.2 and 1 more transcripts).
Identifiers: ClinVar variation 1438485 (VCV001438485.7), dbSNP rs755238558, ClinGen allele CA2573150499.

ClinVar aggregate classification (germline): Uncertain significance (1 of 4 stars; one submission).

Conditions:
DICER1-related tumor predisposition. Also called: DICER1-related pleuropulmonary blastoma cancer predisposition syndrome; DICER1 syndrome. Identifiers: Orphanet 284343, MedGen C3839822, MONDO:0100216.

Submission:

Labcorp Genetics (formerly Invitae), Labcorp
Classification: Uncertain significance for DICER1-related tumor predisposition. Last evaluated: 2024-04-05. Review status: criteria provided, single submitter. Criteria: Invitae Variant Classification Sherloc (09022015). Collection method: clinical testing. Allele origin: germline.
Comment: This variant, c.1826_1828dup, results in the insertion of 1 amino acid(s) of the DICER1 protein (p.Asp609dup), but otherwise preserves the integrity of the reading frame. This variant is not present in population databases (gnomAD no frequency). This variant has not been reported in the literature in individuals affected with DICER1-related conditions. ClinVar contains an entry for this variant (Variation ID: 1438485). Experimental studies and prediction algorithms are not available or were not evaluated, and the functional significance of this variant is currently unknown. In summary, the available evidence is currently insufficient to determine the role of this variant in disease. Therefore, it has been classified as a Variant of Uncertain Significance.